The following is an entry in ClinVar:

NM_001256864.2(DNAJC6):c.49G>T (p.Glu17Ter)

Gene: DNAJC6 (DnaJ heat shock protein family (Hsp40) member C6; plus strand). Cytogenetic location: 1p31.3.
Variant type: single nucleotide variant.
Coding change: c.49G>T on transcript NM_001256864.2 (MANE Select); coding-DNA position 49, G replaced by T.
Protein change: p.Glu17Ter; replaces glutamic acid 17 with a stop codon.
Molecular consequence: nonsense. On other transcripts: intron variant (2).
Genome position (GRCh38, 1-based): chr1:65,309,794, G>T. VCF-style: chr1-65309794-G-T. GRCh37 (hg19) VCF-style: chr1-65775477-G-T.
Other names: c.-130-35817G>T (NM_001256865.2); c.22+44862G>T (NM_014787.4); short protein forms E17*.
Identifiers: ClinVar variation 1676536 (VCV001676536.3), dbSNP rs1219237924, ClinGen allele CA340662706.

ClinVar aggregate classification (germline): Likely pathogenic (1 of 4 stars; one submission).

Conditions:
Juvenile onset Parkinson disease 19A. Also called: PARK19; DNAJC6 Parkinson Disease. Identifiers: Orphanet 391411, MedGen C3809811, MONDO:0014231, OMIM 615528.

Submission:

Greenwood Genetic Center Diagnostic Laboratories, Greenwood Genetic Center
Classification: Likely pathogenic for Juvenile onset Parkinson disease 19A. Last evaluated: 2022-01-20. Review status: criteria provided, single submitter. Criteria: ACMG Guidelines, 2015. Collection method: clinical testing. Allele origin: germline. Affected: yes.
Comment: PVS1, PM2